The following is an entry in ClinVar:

NM_013275.6(ANKRD11):c.5558dup (p.Asp1854fs)

Gene: ANKRD11 (ankyrin repeat domain 11; minus strand). Cytogenetic location: 16q24.3.
Variant type: Duplication.
Coding change: c.5558dup on transcript NM_013275.6 (MANE Select); coding-DNA position 5558, one base duplicated (C; older notation c.5558dupC).
Protein change: p.Asp1854fs; shifts the reading frame from aspartic acid 1854.
Molecular consequence: frameshift variant.
Genome position (GRCh38, 1-based): chr16:89,280,984, G duplicated on the plus strand (C on the coding strand, the reverse complement: ANKRD11 is on the minus strand); the first of 4 consecutive G bases (chr16:89,280,984-89,280,987); duplicating any one gives the same sequence. VCF-style (leftmost placement, unchanged base first): chr16-89280983-T-TG. GRCh37 (hg19) VCF-style: chr16-89347391-T-TG.
Other names: c.5558dup, p.Asp1854fs (NM_001256182.2, NM_001256183.2); short protein forms D1854fs.
Identifiers: ClinVar variation 3062058 (VCV003062058.1), dbSNP rs2544227432, ClinGen allele CA2695223942.
Genomic context (GRCh38, chr16:89,280,983, plus strand): 5'-GACAACGGCAGCCGGTGGGCAGTGCAAAGCGTCGACTTTGGGCGACGGGAGGCCATAGTC[T>TG]GGGGAGTAGTACCCTGGCGACAAGCAGGCAAACTTCTCCGCGGGAACCGGGGGCAGGGGC-3'

ClinVar aggregate classification (germline): Likely pathogenic (1 of 4 stars; one submission).

Conditions:
KBG syndrome (KBGS). Also called: ANKRD11-Related KBG Syndrome. Identifiers: Orphanet 2332, MedGen C0220687, MONDO:0007846, OMIM 148050.

Submission:

Illumina Laboratory Services, Illumina
Classification: Likely pathogenic for KBG syndrome. Last evaluated: 2019-02-25. Review status: criteria provided, single submitter. Criteria: ICSLVariantClassificationCriteria RUGD 01 April 2020. Collection method: clinical testing. Allele origin: unknown.
Comment: The ANKRD11 c.5558dupC p.(Asp1854ArgfsTer96) variant causes a shift in the protein reading frame that is predicted to result in premature termination of the protein. Loss of normal protein function through either protein truncation or nonsense-mediated mRNA decay is expected. A literature search was performed for the gene, cDNA change, and amino acid change. No publications were found based on this search. This variant is not observed in version 2.1.1 of the Genome Aggregation Database. Based on the available evidence, the c.5558dupC p.(Asp1854ArgfsTer96) variant is classified as likely pathogenic for KBG syndrome.